The following is an entry in ClinVar:

ClinVar aggregate classification (germline): Uncertain significance (1 of 4 stars; one submission).

Submission:

Mayo Clinic Laboratories, Mayo Clinic
Classification: Uncertain significance. Last evaluated: 2025-07-16. Review status: criteria provided, single submitter. Criteria: ACMG Guidelines, 2015. Collection method: clinical testing. Allele origin: germline. Observed: 1 variant allele.
Comment: BP4_moderate

NM_198576.4(AGRN):c.3049A>G (p.Thr1017Ala)

Gene: AGRN (agrin; plus strand). Cytogenetic location: 1p36.33.
Variant type: single nucleotide variant.
Coding change: c.3049A>G on transcript NM_198576.4 (MANE Select); coding-DNA position 3049, A replaced by G.
Protein change: p.Thr1017Ala; replaces threonine 1017 with alanine.
Molecular consequence: missense variant.
Genome position (GRCh38, 1-based): chr1:1,046,534, A>G. VCF-style: chr1-1046534-A-G. GRCh37 (hg19) VCF-style: chr1-981914-A-G.
Other names: p.Thr1017Ala; c.3049A>G, p.Thr1017Ala (NM_001305275.2); c.2734A>G, p.Thr912Ala (NM_001364727.2); short protein forms T1017A, T912A.
Identifiers: ClinVar variation 4540692 (VCV004540692.1).
Genomic context (GRCh38, chr1:1,046,534, plus strand): 5'-CTGCCGGCCCCCCCCGGCGCCCTCCCCCTGGCTCCCAGCAGTACCGCACACAGCCAGACC[A>G]CCCCTCCGCCCTCATCACGACCTCGGACCACTGCCAGCGTCCCCAGGACCACCGTGTGGC-3'
Protein context (NP_940978.2, residues 1007-1027): APSSTAHSQT[Thr1017Ala]PPPSSRPRTT